The following is an entry in ClinVar:

ClinVar aggregate classification (germline): Uncertain significance. Review status: reviewed by expert panel (3 of 4 stars). 2 submissions from 2 submitters: Uncertain significance (1). 1 of the submissions does not count toward it. Last evaluated 2024-09-18.

Conditions:
Hereditary thrombocytopenia and hematologic cancer predisposition syndrome. Identifiers: Orphanet 71290, MedGen CN281654, MONDO:0011071.
Hereditary thrombocytopenia and hematological cancer predisposition syndrome associated with RUNX1. Also called: Familial Platelet Disorder with Propensity to Acute Myelogenous Leukemia; Familial thrombocytopenia with propensity to acute myelogenous leukemia; RUNX1 Familial Platelet Disorder with Associated Myeloid Malignancies; PLATELET DISORDER, ASPIRIN-LIKE. Identifiers: Orphanet 71290, MedGen C1832388, MeSH C563324, MONDO:0100083, OMIM 601399.

Allele frequency attached by ClinVar (database versions not stated): TOPMed below 0.00001; ExAC 0.00001; gnomAD 0.00001; gnomAD exomes 0.00001.
gnomAD v4.1: 11 of 1,613,432 alleles (0.00068%); highest among the groups gnomAD compares: South Asian, 0.0033%; no homozygotes.

Submissions (2):

ClinGen Myeloid Malignancy Variant Curation Expert Panel
Classification: Uncertain significance for Hereditary thrombocytopenia and hematologic cancer predisposition syndrome. Last evaluated: 2024-09-18. Review status: reviewed by expert panel. Criteria: ClinGen MyeloMalig ACMG Specifications v2. Collection method: curation. Allele origin: germline. Inheritance: Autosomal dominant inheritance.
Comment: NM_001754.5(RUNX1):c.287A>G (p.Asn96Ser) is a missense variant which has a REVEL score ≥ 0.88 (0.769) (PP3). This variant affects a codon within the Runt Homology domain (AA 89-204) but does not occur within an established hotspot residue (PM1_Supporting). In summary, the clinical significance of this variant is uncertain. ACMG/AMP criteria applied, as specified by the Myeloid Malignancy Variant Curation Expert Panel for RUNX1: PP3, PM1_supporting.

Labcorp Genetics (formerly Invitae), Labcorp
Classification: Uncertain significance for Hereditary thrombocytopenia and hematological cancer predisposition syndrome associated with RUNX1. Last evaluated: 2023-10-26. Review status: criteria provided, single submitter. Criteria: Invitae Variant Classification Sherloc (09022015). Collection method: clinical testing. Allele origin: germline. Not counted in ClinVar's aggregate classification.
Comment: This sequence change replaces asparagine, which is neutral and polar, with serine, which is neutral and polar, at codon 96 of the RUNX1 protein (p.Asn96Ser). This variant is present in population databases (rs754168875, gnomAD 0.006%). This variant has not been reported in the literature in individuals affected with RUNX1-related conditions. ClinVar contains an entry for this variant (Variation ID: 660789). Advanced modeling of protein sequence and biophysical properties (such as structural, functional, and spatial information, amino acid conservation, physicochemical variation, residue mobility, and thermodynamic stability) has been performed at Invitae for this missense variant, however the output from this modeling did not meet the statistical confidence thresholds required to predict the impact of this variant on RUNX1 protein function. In summary, the available evidence is currently insufficient to determine the role of this variant in disease. Therefore, it has been classified as a Variant of Uncertain Significance.

NM_001754.5(RUNX1):c.287A>G (p.Asn96Ser)

Gene: RUNX1 (RUNX family transcription factor 1; minus strand). Cytogenetic location: 21q22.12.
Variant type: single nucleotide variant.
Coding change: c.287A>G on transcript NM_001754.5 (MANE Select); coding-DNA position 287, A replaced by G.
Protein change: p.Asn96Ser; replaces asparagine 96 with serine.
Molecular consequence: missense variant.
Genome position (GRCh38, 1-based): chr21:34,886,907, T>C on the plus strand (A>G on the coding strand, the complement: RUNX1 is on the minus strand). VCF-style: chr21-34886907-T-C. GRCh37 (hg19) VCF-style: chr21-36259204-T-C.
Other names: NM_001754.5(RUNX1):c.287A>G; p.Asn96Ser; c.206A>G, p.Asn69Ser (NM_001001890.3, NM_001122607.2); short protein forms N69S, N96S.
Identifiers: ClinVar variation 660789 (VCV000660789.9), dbSNP rs754168875, ClinGen allele CA10014555.